The following is an entry in ClinVar:

ClinVar aggregate classification (germline): Uncertain significance (1 of 4 stars; one submission).

Conditions:
Brachyolmia-amelogenesis imperfecta syndrome. Also called: PLATYSPONDYLY WITH AMELOGENESIS IMPERFECTA; Tooth agenesis, selective, 6; Dental anomalies and short stature. Identifiers: Orphanet 2899, MedGen C1832594, MONDO:0011018, OMIM 601216. Disease mechanism: loss of function.

Submission:

Labcorp Genetics (formerly Invitae), Labcorp
Classification: Uncertain significance for Brachyolmia-amelogenesis imperfecta syndrome. Last evaluated: 2023-12-15. Review status: criteria provided, single submitter. Criteria: Invitae Variant Classification Sherloc (09022015). Collection method: clinical testing. Allele origin: germline.
Comment: This variant, c.2330_2335dup, results in the insertion of 2 amino acid(s) of the LTBP3 protein (p.Ala777_Pro778dup), but otherwise preserves the integrity of the reading frame. This variant is present in population databases (no rsID available, gnomAD 0.001%). This variant has not been reported in the literature in individuals affected with LTBP3-related conditions. In summary, the available evidence is currently insufficient to determine the role of this variant in disease. Therefore, it has been classified as a Variant of Uncertain Significance.

NM_001130144.3(LTBP3):c.2324CGCCCG[3] (p.Pro778_Asp779insAlaPro)

Genes: LTBP3 (latent transforming growth factor beta binding protein 3; minus strand), LOC130006029 (ATAC-STARR-seq lymphoblastoid silent region 3532; plus strand). Cytogenetic location: 11q13.1.
Variant type: Microsatellite.
Coding change: c.2324CGCCCG[3] on transcript NM_001130144.3 (MANE Select); three copies in a row of the 6-base unit CGCCCG starting at c.2324; the reference has two copies in a row; one copy, 6 bases duplicated.
Protein change: p.Pro778_Asp779insAlaPro.
Molecular consequence: inframe insertion.
Genome position (GRCh38, 1-based): chr11:65,546,460-65,546,465, CGGGCG duplicated on the plus strand (CGCCCG on the coding strand, the reverse complement: LTBP3 is on the minus strand); duplicating any 6 consecutive bases within chr11:65,546,460-65,546,473 gives the same sequence; the position shown is the placement nearest the transcript's 3' end. VCF-style (leftmost placement, unchanged base first): chr11-65546459-T-TCGGGCG. GRCh37 (hg19) VCF-style: chr11-65313930-T-TCGGGCG.
Other names: c.1973CGCCCG[3], p.Pro661_Asp662insAlaPro (NM_001164266.1); c.2324CGCCCG[3], p.Pro778_Asp779insAlaPro (NM_021070.4).
Identifiers: ClinVar variation 2725363 (VCV002725363.3), dbSNP rs960880284, ClinGen allele CA223963496.